The following is an entry in ClinVar:

ClinVar aggregate classification (germline): Conflicting classifications of pathogenicity. Review status: criteria provided, conflicting classifications (1 of 4 stars). 5 submissions from 5 submitters: Uncertain significance (1); Benign (2); Likely benign (2). Last evaluated 2024-11-18.

Conditions:
Early-infantile DEE. Also called: Ohtahara syndrome; Early infantile epileptic encephalopathy with suppression bursts; Early infantile epileptic encephalopathy. Identifiers: Orphanet 1934, MedGen C0393706, MONDO:0800491.
Developmental and epileptic encephalopathy, 5 (DEE5). Identifiers: Orphanet 3451, MedGen C3150731, MONDO:0013277, OMIM 613477.

Allele frequency attached by ClinVar (database versions not stated): gnomAD 0.00001; TOPMed 0.00003; gnomAD exomes 0.00004 and 0.00007; ExAC 0.00007.
gnomAD v4.1: 59 of 1,614,080 alleles (0.0037%); highest among the groups gnomAD compares: South Asian, 0.056%; no homozygotes.

Submissions (5):

Blueprint Genetics
Classification: Likely benign. Last evaluated: 2024-11-18. Review status: criteria provided, single submitter. Criteria: ACMG Guidelines, 2015. Collection method: clinical testing. Allele origin: germline.

Labcorp Genetics (formerly Invitae), Labcorp
Classification: Benign for Early-infantile DEE. Last evaluated: 2024-06-01. Review status: criteria provided, single submitter. Criteria: Invitae Variant Classification Sherloc (09022015). Collection method: clinical testing. Allele origin: germline.

Genome-Nilou Lab
Classification: Benign for Developmental and epileptic encephalopathy, 5. Last evaluated: 2021-07-15. Review status: criteria provided, single submitter. Criteria: ACMG Guidelines, 2015. Collection method: clinical testing. Allele origin: germline. Affected: no.

GeneDx
Classification: Likely benign. Last evaluated: 2018-01-09. Review status: criteria provided, single submitter. Criteria: GeneDx Variant Classification (06012015). Collection method: clinical testing. Allele origin: germline. Affected: yes.
Comment: This variant is considered likely benign or benign based on one or more of the following criteria: it is a conservative change, it occurs at a poorly conserved position in the protein, it is predicted to be benign by multiple in silico algorithms, and/or has population frequency not consistent with disease.

Eurofins Ntd Llc (ga)
Classification: Uncertain significance. Last evaluated: 2017-08-23. Review status: criteria provided, single submitter. Criteria: EGL Classification Definitions 2015. Collection method: clinical testing. Allele origin: germline. Observed: 2 variant alleles, 2 heterozygotes.

NM_001130438.3(SPTAN1):c.5245G>A (p.Gly1749Arg)

Gene: SPTAN1 (spectrin alpha, non-erythrocytic 1; plus strand). Cytogenetic location: 9q34.11.
Variant type: single nucleotide variant.
Coding change: c.5245G>A on transcript NM_001130438.3 (MANE Select); coding-DNA position 5245, G replaced by A.
Protein change: p.Gly1749Arg; replaces glycine 1749 with arginine.
Molecular consequence: missense variant.
Genome position (GRCh38, 1-based): chr9:128,615,728, G>A. VCF-style: chr9-128615728-G-A. GRCh37 (hg19) VCF-style: chr9-131378007-G-A.
Other names: c.5170G>A, p.Gly1724Arg (NM_001195532.2); c.5245G>A, p.Gly1749Arg (NM_001363759.2); c.5185G>A, p.Gly1729Arg (NM_001363765.2); c.5230G>A, p.Gly1744Arg (NM_003127.4); short protein forms G1749R, G1744R, G1724R, G1729R.
Identifiers: ClinVar variation 386867 (VCV000386867.17), dbSNP rs771886198, ClinGen allele CA5265407.